The following is an entry in ClinVar:

ClinVar aggregate classification (germline): Uncertain significance (1 of 4 stars; one submission).

Conditions:
Alstrom syndrome (ALMS). Identifiers: Orphanet 64, MedGen C0268425, MONDO:0008763, OMIM 203800.

Submission:

Labcorp Genetics (formerly Invitae), Labcorp
Classification: Uncertain significance for Alstrom syndrome. Last evaluated: 2025-03-04. Review status: criteria provided, single submitter. Criteria: Invitae Variant Classification Sherloc (09022015). Collection method: clinical testing. Allele origin: germline.
Comment: This sequence change replaces threonine, which is neutral and polar, with proline, which is neutral and non-polar, at codon 2717 of the ALMS1 protein (p.Thr2717Pro). This variant is not present in population databases (gnomAD no frequency). This variant has not been reported in the literature in individuals affected with ALMS1-related conditions. ClinVar contains an entry for this variant (Variation ID: 1387209). Experimental studies and prediction algorithms are not available or were not evaluated, and the functional significance of this variant is currently unknown. In summary, the available evidence is currently insufficient to determine the role of this variant in disease. Therefore, it has been classified as a Variant of Uncertain Significance.

NM_001378454.1(ALMS1):c.8146A>C (p.Thr2716Pro)

Gene: ALMS1 (ALMS1 centrosome and basal body associated protein; plus strand). Cytogenetic location: 2p13.1.
Variant type: single nucleotide variant.
Coding change: c.8146A>C on transcript NM_001378454.1 (MANE Select); coding-DNA position 8146, A replaced by C.
Protein change: p.Thr2716Pro; replaces threonine 2716 with proline.
Molecular consequence: missense variant.
Genome position (GRCh38, 1-based): chr2:73,490,105, A>C. VCF-style: chr2-73490105-A-C. GRCh37 (hg19) VCF-style: chr2-73717232-A-C.
Other names: c.8149A>C, p.Thr2717Pro (NM_015120.4); short protein forms T2716P, T2717P.
Identifiers: ClinVar variation 1387209 (VCV001387209.6), dbSNP rs1234404032, ClinGen allele CA347267655.